The following is an entry in ClinVar:

NM_004380.3(CREBBP):c.3384C>T (p.Ile1128=)

Gene: CREBBP (CREB binding lysine acetyltransferase; minus strand). Cytogenetic location: 16p13.3.
Variant type: single nucleotide variant.
Coding change: c.3384C>T on transcript NM_004380.3 (MANE Select); coding-DNA position 3384, C replaced by T.
Protein change: p.Ile1128=; no amino-acid change (isoleucine 1128 retained).
Molecular consequence: synonymous variant.
Genome position (GRCh38, 1-based): chr16:3,758,034, G>A on the plus strand (C>T on the coding strand, the complement: CREBBP is on the minus strand). VCF-style: chr16-3758034-G-A. GRCh37 (hg19) VCF-style: chr16-3808035-G-A.
Other names: c.3270C>T, p.Ile1090= (NM_001079846.1); c.3384C>T (NM_004380.2).
Identifiers: ClinVar variation 2138873 (VCV002138873.5), dbSNP rs759136399, ClinGen allele CA7869822.

ClinVar aggregate classification (germline): Likely benign. Review status: criteria provided, single submitter (1 of 4 stars). 2 submissions from 2 submitters: Likely benign (1). 1 of the submissions does not count toward it. Last evaluated 2025-01-25.

Conditions:
Rubinstein-Taybi syndrome (RSTS). Identifiers: Orphanet 783, MedGen C0035934, MONDO:0019188.
CREBBP-related disorder. Also called: CREBBP-related condition; CREBBP-related disorders.

Allele frequency attached by ClinVar (database versions not stated): gnomAD 0.00001; ExAC 0.00004.
gnomAD v4.1: 18 of 1,609,840 alleles (0.0011%); highest among the groups gnomAD compares: Middle Eastern, 0.016%; no homozygotes.

Submissions (2):

Labcorp Genetics (formerly Invitae), Labcorp
Classification: Likely benign for Rubinstein-Taybi syndrome. Last evaluated: 2025-01-25. Review status: criteria provided, single submitter. Criteria: Invitae Variant Classification Sherloc (09022015). Collection method: clinical testing. Allele origin: germline.

PreventionGenetics, part of Exact Sciences
Classification: Likely benign for CREBBP-related condition. Last evaluated: 2021-12-13. Review status: no assertion criteria provided. Collection method: clinical testing. Allele origin: germline. Not counted in ClinVar's aggregate classification.
Comment: This variant is classified as likely benign based on ACMG/AMP sequence variant interpretation guidelines (Richards et al. 2015 PMID: 25741868, with internal and published modifications).